The following is an entry in ClinVar:

NM_017777.4(MKS1):c.*43G>A

Gene: MKS1 (MKS transition zone complex subunit 1; minus strand). Cytogenetic location: 17q22.
Variant type: single nucleotide variant.
Coding change: c.*43G>A on transcript NM_017777.4 (MANE Select); 43 bases downstream of the stop codon, G replaced by A.
Molecular consequence: 3 prime UTR variant. On other transcripts: missense variant (1).
Genome position (GRCh38, 1-based): chr17:58,206,036, C>T on the plus strand (G>A on the coding strand, the complement: MKS1 is on the minus strand). VCF-style: chr17-58206036-C-T. GRCh37 (hg19) VCF-style: chr17-56283397-C-T.
Other names: c.*43G>A (NM_001321268.2); c.1640G>A, p.Gly547Glu (NM_001321269.2); c.*135G>A (NM_001330397.2); short protein forms G547E.
Identifiers: ClinVar variation 2631936 (VCV002631936.4), dbSNP rs369146407, ClinGen allele CA8669040.
Genomic context (GRCh38, chr17:58,206,036, plus strand): 5'-GACCAACGTGGTCTCTAATCAGAAAGACGAAGAGGCAGGAGAGCACTGGCCTCAGATATC[C>T]CCCATCTTGTCCTCTTGCACTGTGGGCCAGGGCTGCTGTGAGCTAGGAGACCAGGGTTCC-3'

ClinVar aggregate classification (germline): Uncertain significance (1 of 4 stars; one submission).

Conditions:
MKS1-related disorder. Also called: MKS1-related condition; MKS1-related disorders. Identifiers: MedGen CN239382.

Allele frequency attached by ClinVar (database versions not stated): gnomAD exomes 0.00003; ExAC 0.00014; ESP Exome Variant Server 0.00016; gnomAD 0.00032; TOPMed 0.00034.
gnomAD v4.1: 89 of 1,578,042 alleles (0.0056%); highest among the groups gnomAD compares: African/African-American, 0.1%; no homozygotes.

Submission:

PreventionGenetics, part of Exact Sciences
Classification: Uncertain significance for MKS1-related condition. Last evaluated: 2026-09-13. Review status: criteria provided, single submitter. Criteria: ACMG Guidelines, 2015. Collection method: clinical testing. Allele origin: germline.
Comment: The MKS1 c.1640G>A variant is predicted to result in the amino acid substitution p.Gly547Glu. This variant corresponds to a post-coding position in the primary transcript of this gene (NM_017777.3:c.*43G>A). To our knowledge, this variant has not been reported in the literature. This variant is reported in 0.14% of alleles in individuals of African descent in gnomAD, which is likely too common for an undocumented disease-causing variant. Although we suspect that this variant may be benign, at this time, the clinical significance of this variant is uncertain due to the absence of conclusive functional and genetic evidence.